The following is an entry in ClinVar:

ClinVar aggregate classification (germline): Conflicting classifications of pathogenicity. Review status: criteria provided, conflicting classifications (1 of 4 stars). 13 submissions from 13 submitters: Uncertain significance (1); Benign (2); Likely benign (9). 1 of the submissions does not count toward it. Last evaluated 2026-03-11.

Conditions:
Hereditary spastic paraplegia 10 (SPG10). Also called: SPASTIC PARAPLEGIA 10, AUTOSOMAL DOMINANT; SPASTIC PARAPLEGIA 10 WITH OR WITHOUT PERIPHERAL NEUROPATHY; SPASTIC PARAPLEGIA 10 WITH PERIPHERAL NEUROPATHY. Identifiers: Orphanet 100991, MedGen C1858712, MONDO:0011408, OMIM 604187.
Spastic paraplegia. Identifiers: MedGen C0037772, HP:0001258.
Inborn genetic diseases. Identifiers: MedGen C0950123, MeSH D030342.
Hereditary spastic paraplegia. Also called: Familial spastic paraparesis. Identifiers: Orphanet 685, MedGen C0037773, MONDO:0019064. Disease mechanism: loss of function.

Allele frequency attached by ClinVar (database versions not stated): 1000 Genomes Project 30x 0.00031; 1000 Genomes Project 0.00040; ESP Exome Variant Server 0.00077; ExAC 0.00082; gnomAD exomes 0.00097 and 0.00191; gnomAD 0.00113 and 0.00117; TOPMed 0.00124.
gnomAD v4.1: 2,944 of 1,614,030 alleles (0.18%); highest among the groups gnomAD compares: Non-Finnish European, 0.23%; 3 homozygotes.

Submissions (13):

Women's Health and Genetics/Laboratory Corporation of America, LabCorp
Classification: Likely benign. Last evaluated: 2026-03-11. Review status: criteria provided, single submitter. Criteria: LabCorp Variant Classification Summary - May 2015. Collection method: clinical testing. Allele origin: germline.
Comment: Variant summary: KIF5A c.2839A>G (p.Thr947Ala) results in a non-conservative amino acid change in the encoded protein sequence. Algorithms developed to predict the effect of missense changes on protein structure and function are either unavailable or do not agree on the potential impact of this missense change. The variant allele was found at a frequency of 0.00097 in 251468 control chromosomes, predominantly at a frequency of 0.0018 within the Non-Finnish European subpopulation in the gnomAD database. The observed variant frequency within Non-Finnish European control individuals in the gnomAD database exceeds the estimated maximal expected allele frequency for disease-causing variants in KIF5A. To our knowledge, no occurrence of c.2839A>G in individuals affected with KIF5A-related conditions and no experimental evidence demonstrating its impact on protein function have been reported. ClinVar contains an entry for this variant (Variation ID: 309948). Based on the evidence outlined above, the variant was classified as likely benign.

CeGaT Center for Human Genetics Tuebingen
Classification: Likely benign. Last evaluated: 2026-03-01. Review status: criteria provided, single submitter. Criteria: CeGaT Center For Human Genetics Tuebingen Variant Classification Criteria Version 2. Collection method: clinical testing. Allele origin: germline. Affected: yes. Observed: 14 variant alleles.
Comment: KIF5A: BS1

Labcorp Genetics (formerly Invitae), Labcorp
Classification: Likely benign for Spastic paraplegia. Last evaluated: 2026-02-03. Review status: criteria provided, single submitter. Criteria: Invitae Variant Classification Sherloc (09022015). Collection method: clinical testing. Allele origin: germline.

Mayo Clinic Laboratories, Mayo Clinic
Classification: Benign. Last evaluated: 2025-05-02. Review status: criteria provided, single submitter. Criteria: ACMG Guidelines, 2015. Collection method: clinical testing. Allele origin: germline. Observed: 13 variant alleles.
Comment: BS1, BS2, BP4_moderate

Blueprint Genetics
Classification: Likely benign. Last evaluated: 2024-10-30. Review status: criteria provided, single submitter. Criteria: ACMG Guidelines, 2015. Collection method: clinical testing. Allele origin: germline.

ARUP Laboratories, Molecular Genetics and Genomics, ARUP Laboratories
Classification: Likely benign. Last evaluated: 2024-04-16. Review status: criteria provided, single submitter. Criteria: ARUP Molecular Germline Variant Investigation Process 2024. Collection method: clinical testing. Allele origin: germline.

Ambry Genetics
Classification: Uncertain significance for Inborn genetic diseases. Last evaluated: 2022-01-21. Review status: criteria provided, single submitter. Criteria: Ambry Variant Classification Scheme 2023. Collection method: clinical testing. Allele origin: germline.

Illumina Laboratory Services, Illumina
Classification: Benign for Hereditary spastic paraplegia 10. Last evaluated: 2018-01-13. Review status: criteria provided, single submitter. Criteria: ICSL Variant Classification Criteria 13 December 2019. Collection method: clinical testing. Allele origin: germline.
Comment: This variant was observed in the ICSL laboratory as part of a predisposition screen in an ostensibly healthy population. It had not been previously curated by ICSL or reported in the Human Gene Mutation Database (HGMD: prior to June 1st, 2018), and was therefore a candidate for classification through an automated scoring system. Utilizing variant allele frequency, disease prevalence and penetrance estimates, and inheritance mode, an automated score was calculated to assess if this variant is too frequent to cause the disease. Based on the score and internal cut-off values, a variant classified as benign is not then subjected to further curation. The score for this variant resulted in a classification of benign for this disease.

Genome Diagnostics Laboratory, The Hospital for Sick Children
Classification: Likely benign for Hereditary spastic paraplegia. Last evaluated: 2017-12-01. Review status: criteria provided, single submitter. Criteria: ACMG Guidelines, 2015. Collection method: clinical testing. Allele origin: germline. Affected: yes.

Eurofins Ntd Llc (ga)
Classification: Likely benign. Last evaluated: 2016-12-27. Review status: criteria provided, single submitter. Criteria: EGL Classification Definitions 2015. Collection method: clinical testing. Allele origin: germline. Observed: 1 variant allele, 1 heterozygote.

Clinical Genetics DNA and cytogenetics Diagnostics Lab, Erasmus MC, Erasmus Medical Center
Classification: Likely benign for Hereditary spastic paraplegia 10. Last evaluated: 2016-01-04. Review status: criteria provided, single submitter. Criteria: ACGS Guidelines, 2013. Collection method: clinical testing. Allele origin: germline. Affected: yes. Study: VKGL Data-share Consensus.

Genome Diagnostics Laboratory, University Medical Center Utrecht
Classification: Likely benign for Hereditary spastic paraplegia 10. Last evaluated: 2014-10-09. Review status: criteria provided, single submitter. Criteria: ACGS Guidelines, 2013. Collection method: clinical testing. Allele origin: germline. Affected: yes. Study: VKGL Data-share Consensus.

Clinical Genetics, Academic Medical Center
Classification: Likely benign. Review status: no assertion criteria provided. Collection method: clinical testing. Allele origin: germline. Affected: yes. Study: VKGL Data-share Consensus. Not counted in ClinVar's aggregate classification.

NM_004984.4(KIF5A):c.2839A>G (p.Thr947Ala)

Gene: KIF5A (kinesin family member 5A; plus strand). Cytogenetic location: 12q13.3.
Variant type: single nucleotide variant.
Coding change: c.2839A>G on transcript NM_004984.4 (MANE Select); coding-DNA position 2839, A replaced by G.
Protein change: p.Thr947Ala; replaces threonine 947 with alanine.
Molecular consequence: missense variant.
Genome position (GRCh38, 1-based): chr12:57,581,498, A>G. VCF-style: chr12-57581498-A-G. GRCh37 (hg19) VCF-style: chr12-57975281-A-G.
Other names: p.Thr947Ala; c.2572A>G, p.Thr858Ala (NM_001354705.2); short protein forms T947A, T858A.
Identifiers: ClinVar variation 309948 (VCV000309948.64), dbSNP rs150672943, ClinGen allele CA6653225.